The following is an entry in ClinVar:

ClinVar aggregate classification (germline): Pathogenic (1 of 4 stars; one submission).

Submission:

Labcorp Genetics (formerly Invitae), Labcorp
Classification: Pathogenic. Last evaluated: 2022-05-12. Review status: criteria provided, single submitter. Criteria: Invitae Variant Classification Sherloc (09022015). Collection method: clinical testing. Allele origin: unknown.
Comment: This variant results in the deletion of exons 1-15 and part of exon 16 (c.-237763_1722del) of the POLE gene. It is expected to result in an absent or disrupted protein product. Loss-of-function variants in POLE are known to be pathogenic (PMID: 23230001, 25948378, 30503519). This variant has not been reported in the literature in individuals affected with POLE-related conditions. For these reasons, this variant has been classified as Pathogenic.

Literature cited by the submitters: PubMed 23230001; PubMed 25948378; PubMed 30503519.

NC_000012.11:g.(?_133248873)_(133501664_?)del

Genes: ANKLE2 (ankyrin repeat and LEM domain containing 2; minus strand), CHFR (checkpoint with forkhead and ring finger domains; minus strand), GOLGA3 (golgin A3; minus strand), PGAM5 (PGAM family member 5, mitochondrial serine/threonine protein phosphatase; plus strand), POLE (DNA polymerase epsilon, catalytic subunit; minus strand) and 2 more. Cytogenetic location: 12q24.33.
Variant type: Deletion.
Identifiers: ClinVar variation 3244416 (VCV003244416.1).